The following is an entry in ClinVar:

ClinVar aggregate classification (germline): Uncertain significance (1 of 4 stars; one submission).

Conditions:
Combined oxidative phosphorylation defect type 17. Also called: Combined oxidative phosphorylation deficiency 17. Identifiers: Orphanet 369913, MedGen C3809526, MONDO:0014190, OMIM 615440.

Submission:

Labcorp Genetics (formerly Invitae), Labcorp
Classification: Uncertain significance for Combined oxidative phosphorylation defect type 17. Last evaluated: 2025-06-16. Review status: criteria provided, single submitter. Criteria: Invitae Variant Classification Sherloc (09022015). Collection method: clinical testing. Allele origin: germline.
Comment: This sequence change replaces glutamine, which is neutral and polar, with arginine, which is basic and polar, at codon 458 of the ELAC2 protein (p.Gln458Arg). This variant is not present in population databases (gnomAD no frequency). This variant has not been reported in the literature in individuals affected with ELAC2-related conditions. ClinVar contains an entry for this variant (Variation ID: 573216). Invitae Evidence Modeling of protein sequence and biophysical properties (such as structural, functional, and spatial information, amino acid conservation, physicochemical variation, residue mobility, and thermodynamic stability) indicates that this missense variant is not expected to disrupt ELAC2 protein function with a negative predictive value of 80%. In summary, the available evidence is currently insufficient to determine the role of this variant in disease. Therefore, it has been classified as a Variant of Uncertain Significance.

NM_018127.7(ELAC2):c.1373A>G (p.Gln458Arg)

Gene: ELAC2 (elaC ribonuclease Z 2; minus strand). Cytogenetic location: 17p12.
Variant type: single nucleotide variant.
Coding change: c.1373A>G on transcript NM_018127.7 (MANE Select); coding-DNA position 1373, A replaced by G.
Protein change: p.Gln458Arg; replaces glutamine 458 with arginine.
Molecular consequence: missense variant.
Genome position (GRCh38, 1-based): chr17:13,000,206, T>C on the plus strand (A>G on the coding strand, the complement: ELAC2 is on the minus strand). VCF-style: chr17-13000206-T-C. GRCh37 (hg19) VCF-style: chr17-12903523-T-C.
Other names: c.1253A>G, p.Gln418Arg (NM_001165962.2); c.1370A>G, p.Gln457Arg (NM_173717.2); short protein forms Q458R, Q457R, Q418R.
Identifiers: ClinVar variation 573216 (VCV000573216.5), dbSNP rs1567751319, ClinGen allele CA398224924.